The following is an entry in ClinVar:

ClinVar aggregate classification (germline): Benign/Likely benign. Review status: criteria provided, multiple submitters, no conflicts (2 of 4 stars). 2 submissions from 2 submitters: Benign (1); Likely benign (1). Last evaluated 2026-09-01.

Allele frequency attached by ClinVar (database versions not stated): ExAC 0.00222; ESP Exome Variant Server 0.00223; gnomAD exomes 0.00225 and 0.00393; TOPMed 0.00246; gnomAD 0.00275 and 0.00287; 1000 Genomes Project 30x 0.00016; 1000 Genomes Project 0.00020.
gnomAD v4.1: 6,083 of 1,613,212 alleles (0.38%); highest among the groups gnomAD compares: Non-Finnish European, 0.48%; 13 homozygotes.

Submissions (2):

CeGaT Center for Human Genetics Tuebingen
Classification: Likely benign. Last evaluated: 2026-09-01. Review status: criteria provided, single submitter. Criteria: CeGaT Center For Human Genetics Tuebingen Variant Classification Criteria Version 2. Collection method: clinical testing. Allele origin: germline. Affected: yes. Observed: 16 variant alleles.
Comment: PI4KA: BP4, BP7, BS2

Labcorp Genetics (formerly Invitae), Labcorp
Classification: Benign. Last evaluated: 2017-12-20. Review status: criteria provided, single submitter. Criteria: Invitae Variant Classification Sherloc (09022015). Collection method: clinical testing. Allele origin: germline.

NM_058004.4(PI4KA):c.6099G>A (p.Ala2033=)

Gene: PI4KA (phosphatidylinositol 4-kinase alpha; minus strand). Cytogenetic location: 22q11.21.
Variant type: single nucleotide variant.
Coding change: c.6099G>A on transcript NM_058004.4 (MANE Select); coding-DNA position 6099, G replaced by A.
Protein change: p.Ala2033=; no amino-acid change (alanine 2033 retained).
Molecular consequence: synonymous variant.
Genome position (GRCh38, 1-based): chr22:20,709,982, C>T on the plus strand (G>A on the coding strand, the complement: PI4KA is on the minus strand). VCF-style: chr22-20709982-C-T. GRCh37 (hg19) VCF-style: chr22-21064270-C-T.
Other names: c.6006G>A, p.Ala2002= (NM_001362862.2); c.6033G>A, p.Ala2011= (NM_001362863.2).
Identifiers: ClinVar variation 779291 (VCV000779291.27), dbSNP rs151214632, ClinGen allele CA10114409.